The following is an entry in ClinVar:

ClinVar aggregate classification (germline): Likely pathogenic (1 of 4 stars; one submission).

Conditions:
Myopathy, distal, 5 (MPD5). Also called: Adenylosuccinate synthetase-like 1-related distal myopathy. Identifiers: Orphanet 482601, MedGen C5567521, MONDO:0014877, OMIM 617030.

Submission:

Juno Genomics, Hangzhou Juno Genomics, Inc
Classification: Likely pathogenic for Myopathy, distal, 5. Review status: criteria provided, single submitter. Criteria: ACMG Guidelines, 2015. Collection method: clinical testing. Allele origin: germline. Affected: yes.
Comment: Absent from controls (or at extremely low frequency if recessive) in Genome Aggregation Database.;Null variant in a gene where loss of function (LOF) is a known mechanism of disease.

NM_152328.5(ADSS1):c.63_84dup (p.Thr29fs)

Genes: ADSS1 (adenylosuccinate synthase 1; plus strand), LOC130056631 (ATAC-STARR-seq lymphoblastoid silent region 6195; plus strand). Cytogenetic location: 14q32.33.
Variant type: Duplication.
Coding change: c.63_84dup on transcript NM_152328.5 (MANE Select); coding-DNA positions 63 to 84, 22 bases duplicated (GCTGCAGCAGGAGGCGGCGGCG).
Protein change: p.Thr29fs; shifts the reading frame from threonine 29.
Molecular consequence: frameshift variant.
Genome position (GRCh38, 1-based): chr14:104,724,333-104,724,354, GCTGCAGCAGGAGGCGGCGGCG duplicated; duplicating any 22 consecutive bases within chr14:104,724,329-104,724,354 gives the same sequence; the c. name uses the placement nearest the transcript's 3' end. VCF-style (leftmost placement, unchanged base first): chr14-104724328-G-GGGCGGCTGCAGCAGGAGGCGGC. GRCh37 (hg19) VCF-style: chr14-105190665-G-GGGCGGCTGCAGCAGGAGGCGGC.
Other names: short protein forms T29fs.
Identifiers: ClinVar variation 5019975 (VCV005019975.1).